The following is an entry in ClinVar:

ClinVar aggregate classification (germline): Uncertain significance (1 of 4 stars; one submission).

Submission:

Dasa
Classification: Uncertain significance. Last evaluated: 2026-02-05. Review status: criteria provided, single submitter. Criteria: DASA Assertion Criteria. Collection method: clinical testing. Allele origin: germline.
Comment: NM_002516.4(NOVA2):c.1169C>T (p.Ala390Val) is a missense variant that results in the substitution of alanine with valine. This variant is rare in population databases. Computational prediction algorithms are consistent with a benign effect. The currently available literature and clinical evidence are not sufficient to establish a definitive association between this variant and the reported condition. Therefore, this variant is classified as a variant of uncertain significance.

NM_002516.4(NOVA2):c.1169C>T (p.Ala390Val)

Gene: NOVA2 (NOVA alternative splicing regulator 2; minus strand). Cytogenetic location: 19q13.32.
Variant type: single nucleotide variant.
Coding change: c.1169C>T on transcript NM_002516.4 (MANE Select); coding-DNA position 1169, C replaced by T.
Protein change: p.Ala390Val; replaces alanine 390 with valine.
Molecular consequence: missense variant.
Genome position (GRCh38, 1-based): chr19:45,940,173, G>A on the plus strand (C>T on the coding strand, the complement: NOVA2 is on the minus strand). VCF-style: chr19-45940173-G-A. GRCh37 (hg19) VCF-style: chr19-46443431-G-A.
Other names: short protein forms A390V.
Identifiers: ClinVar variation 4883636 (VCV004883636.2).